The following is an entry in ClinVar:

NM_000043.6(FAS):c.698T>C (p.Ile233Thr)

Gene: FAS (Fas cell surface death receptor; plus strand). Cytogenetic location: 10q23.31.
Variant type: single nucleotide variant.
Coding change: c.698T>C on transcript NM_000043.6 (MANE Select); coding-DNA position 698, T replaced by C.
Protein change: p.Ile233Thr; replaces isoleucine 233 with threonine.
Molecular consequence: missense variant. On other transcripts: 3 prime UTR variant (2), non-coding transcript variant (7).
Genome position (GRCh38, 1-based): chr10:89,014,140, T>C. VCF-style: chr10-89014140-T-C. GRCh37 (hg19) VCF-style: chr10-90773897-T-C.
Other names: p.Ile233Thr; c.*21T>C (NM_001320619.2); c.743T>C, p.Ile248Thr (NM_001410956.1); c.635T>C, p.Ile212Thr (NM_152871.4); c.*10T>C (NM_152872.4); short protein forms I233T, I212T, I248T.
Identifiers: ClinVar variation 3660546 (VCV003660546.3).
Genomic context (GRCh38, chr10:89,014,140, plus strand): 5'-TTAGAAAAACAAATTTTCAGACTATTTTCTATTTTTCAGATGTTGACTTGAGTAAATATA[T>C]CACCACTATTGCTGGAGTCATGACACTAAGTCAAGTTAAAGGCTTTGTTCGAAAGAATGG-3'
Protein context (NP_000034.1, residues 223-243): NLSDVDLSKY[Ile233Thr]TTIAGVMTLS

ClinVar aggregate classification (germline): Uncertain significance. Review status: criteria provided, multiple submitters, no conflicts (2 of 4 stars). 2 submissions from 2 submitters: Uncertain significance (2). Last evaluated 2025-02-20.

Conditions:
Autoimmune lymphoproliferative syndrome type 1. Also called: AUTOIMMUNE LYMPHOPROLIFERATIVE SYNDROME, TYPE I, AUTOSOMAL DOMINANT. Identifiers: Orphanet 3261, MedGen C2717884, MONDO:0011158, OMIM 601859.

Submissions (2):

Mayo Clinic Laboratories, Mayo Clinic
Classification: Uncertain significance. Last evaluated: 2025-02-20. Review status: criteria provided, single submitter. Criteria: ACMG Guidelines, 2015. Collection method: clinical testing. Allele origin: germline. Observed: 1 variant allele.
Comment: PM2_supporting

Labcorp Genetics (formerly Invitae), Labcorp
Classification: Uncertain significance for Autoimmune lymphoproliferative syndrome. Last evaluated: 2025-01-08. Review status: criteria provided, single submitter. Criteria: Invitae Variant Classification Sherloc (09022015). Collection method: clinical testing. Allele origin: germline.
Comment: This sequence change replaces isoleucine, which is neutral and non-polar, with threonine, which is neutral and polar, at codon 233 of the FAS protein (p.Ile233Thr). This variant is not present in population databases (gnomAD no frequency). This variant has not been reported in the literature in individuals affected with FAS-related conditions. Invitae Evidence Modeling of protein sequence and biophysical properties (such as structural, functional, and spatial information, amino acid conservation, physicochemical variation, residue mobility, and thermodynamic stability) indicates that this missense variant is expected to disrupt FAS protein function with a positive predictive value of 95%. In summary, the available evidence is currently insufficient to determine the role of this variant in disease. Therefore, it has been classified as a Variant of Uncertain Significance.